The following is an entry in ClinVar:

NM_000179.3(MSH6):c.551del (p.Asn184fs)

Gene: MSH6 (mutS homolog 6; plus strand). Cytogenetic location: 2p16.3.
Variant type: Deletion.
Coding change: c.551del on transcript NM_000179.3 (MANE Select); coding-DNA position 551, one base deleted (A; older notation c.551delA).
Protein change: p.Asn184fs; shifts the reading frame from asparagine 184.
Molecular consequence: frameshift variant. On other transcripts: 5 prime UTR variant (1), intron variant (2).
Genome position (GRCh38, 1-based): chr2:47,795,987, A deleted; the last of 3 consecutive A bases (chr2:47,795,985-47,795,987); deleting any one gives the same sequence. VCF-style (leftmost placement, unchanged base first): chr2-47795984-TA-T. GRCh37 (hg19) VCF-style: chr2-48023123-TA-T.
Other names: c.-352del (NM_001281494.2); c.647delA, p.Asn216Ilefs (NM_001406795.1, NM_001406802.1); c.551delA, p.Asn184Ilefs (NM_001406796.1, NM_001406798.1, NM_001406800.1 and 5 more transcripts); c.254delA, p.Asn85Ilefs (NM_001406797.1, NM_001406801.1, NM_001406805.1 and 10 more transcripts); c.26delA, p.Asn9Ilefs (NM_001406799.1, NM_001406806.1, NM_001406807.1); c.473delA, p.Asn158Ilefs (NM_001406804.1); c.557delA, p.Asn186Ilefs (NM_001406813.1); c.-444delA (NM_001406814.1); and 3 more; short protein forms N184fs.
Identifiers: ClinVar variation 1748074 (VCV001748074.2), dbSNP rs2530520297, ClinGen allele CA2580066795.

ClinVar aggregate classification (germline): Pathogenic (1 of 4 stars; one submission).

Conditions:
Hereditary cancer-predisposing syndrome. Also called: Hereditary Cancer Syndrome; Hereditary neoplastic syndrome; Neoplastic Syndromes, Hereditary; Tumor predisposition. Identifiers: Orphanet 140162, MedGen C0027672, MeSH D009386, MONDO:0015356.

Submission:

Ambry Genetics
Classification: Pathogenic for Hereditary cancer-predisposing syndrome. Last evaluated: 2020-01-17. Review status: criteria provided, single submitter. Criteria: Ambry Variant Classification Scheme 2023. Collection method: clinical testing. Allele origin: germline.
Comment: The c.551delA pathogenic mutation, located in coding exon 3 of the MSH6 gene, results from a deletion of one nucleotide at nucleotide position 551, causing a translational frameshift with a predicted alternate stop codon (p.N184Ifs*27). This alteration is expected to result in loss of function by premature protein truncation or nonsense-mediated mRNA decay. As such, this alteration is interpreted as a disease-causing mutation.